The following is an entry in ClinVar:

NM_183075.3(CYP2U1):c.1462C>T (p.Arg488Trp)

Gene: CYP2U1 (cytochrome P450 family 2 subfamily U member 1; plus strand). Cytogenetic location: 4q25.
Variant type: single nucleotide variant.
Coding change: c.1462C>T on transcript NM_183075.3 (MANE Select); coding-DNA position 1462, C replaced by T.
Protein change: p.Arg488Trp; replaces arginine 488 with tryptophan.
Molecular consequence: missense variant.
Genome position (GRCh38, 1-based): chr4:107,950,250, C>T. VCF-style: chr4-107950250-C-T. GRCh37 (hg19) VCF-style: chr4-108871406-C-T.
Other names: short protein forms R488W.
Identifiers: ClinVar variation 39504 (VCV000039504.21), dbSNP rs141431913, ClinGen allele CA130344.

ClinVar aggregate classification (germline): Pathogenic/Likely pathogenic. Review status: criteria provided, multiple submitters, no conflicts (2 of 4 stars). 8 submissions from 8 submitters: Pathogenic (4); Likely pathogenic (3). 1 of the submissions does not count toward it. Last evaluated 2025-12-03.

Conditions:
Hereditary spastic paraplegia 56. Also called: SPASTIC PARAPLEGIA 56, AUTOSOMAL RECESSIVE, WITH OR WITHOUT PSEUDOXANTHOMA ELASTICUM; Spastic paraplegia 56, autosomal recessive; Spastic Paraplegia 56. Identifiers: Orphanet 320411, MedGen C3539507, MONDO:0014015, OMIM 615030.
Hereditary spastic paraplegia. Also called: Familial spastic paraparesis. Identifiers: Orphanet 685, MedGen C0037773, MONDO:0019064. Disease mechanism: loss of function.
Spastic paraplegia. Identifiers: MedGen C0037772, HP:0001258.

Allele frequency attached by ClinVar (database versions not stated): gnomAD exomes 0.00001 and 0.00008; TOPMed 0.00003; ESP Exome Variant Server 0.00008; ExAC 0.00001; gnomAD 0.00003.
gnomAD v4.1: 118 of 1,594,950 alleles (0.0074%); highest among the groups gnomAD compares: Non-Finnish European, 0.0096%; no homozygotes.

Submissions (8):

Genomic Research Center, Shahid Beheshti University of Medical Sciences
Classification: Pathogenic for Hereditary spastic paraplegia 56. Last evaluated: 2025-12-03. Review status: criteria provided, single submitter. Criteria: ACMG Guidelines, 2015. Collection method: clinical testing. Allele origin: inherited. Affected: yes. Observed: 1 homozygote.
Comment: This missense variant is located in a critical functional domain of the protein. It is very rare in population databases. The same amino acid change as a previously established pathogenic variant has been reported, and other pathogenic missense variants affecting the same residue have also been described. Multiple computational prediction tools support a deleterious effect on protein function. In addition, this variant has been previously reported as pathogenic/likely pathogenic by reputable submitters(VCV000039504.17).

Labcorp Genetics (formerly Invitae), Labcorp
Classification: Pathogenic for Spastic paraplegia. Last evaluated: 2025-10-29. Review status: criteria provided, single submitter. Criteria: Invitae Variant Classification Sherloc (09022015). Collection method: clinical testing. Allele origin: germline.
Comment: This sequence change replaces arginine, which is basic and polar, with tryptophan, which is neutral and slightly polar, at codon 488 of the CYP2U1 protein (p.Arg488Trp). This variant is present in population databases (rs141431913, gnomAD 0.008%). This missense change has been observed in individuals with CYP2U1-related conditions (PMID: 23176821, 33107650). It has also been observed to segregate with disease in related individuals. ClinVar contains an entry for this variant (Variation ID: 39504). Invitae Evidence Modeling of protein sequence and biophysical properties (such as structural, functional, and spatial information, amino acid conservation, physicochemical variation, residue mobility, and thermodynamic stability) indicates that this missense variant is expected to disrupt CYP2U1 protein function with a positive predictive value of 95%. Experimental studies have shown that this missense change affects CYP2U1 function (PMID: 29034544). For these reasons, this variant has been classified as Pathogenic.

Dasa
Classification: Likely pathogenic. Last evaluated: 2025-07-31. Review status: criteria provided, single submitter. Criteria: DASA Assertion Criteria. Collection method: clinical testing. Allele origin: germline.
Comment: NM_183075.3(CYP2U1):c.1462C>T (p.Arg488Trp) is a missense variant that results in the substitution of arginine with tryptophan. Segregation data support an association with disease in the reported family/families (PMID: 23176821; PMID: 33107650). This variant has been recurrently observed in individuals with CYP2U1-related disorders (PMID: 23176821; PMID: 33107650). Functional evidence supports an impact on the gene or gene product (PMID: 29034544; PMID: 23176821; PMID: 33107650). Also, this variant is rare in population databases. Computational evidence supports a deleterious effect. Based on the currently available evidence, this variant is classified as likely pathogenic.

GeneDx
Classification: Pathogenic. Last evaluated: 2023-10-12. Review status: criteria provided, single submitter. Criteria: GeneDx Variant Classification Process June 2021. Collection method: clinical testing. Allele origin: germline. Affected: yes.
Comment: Published functional studies demonstrate a damaging effect: significantly reduced protein expression and absent enzyme activity (Durand et al., 2018; Legrand et al., 2021); In silico analysis supports that this missense variant has a deleterious effect on protein structure/function; Not observed at significant frequency in large population cohorts (gnomAD); This variant is associated with the following publications: (PMID: 27292318, 33107650, 23176821, 29034544, 34546337, 36166872, 34426522)

Victorian Clinical Genetics Services, Murdoch Childrens Research Institute
Classification: Likely pathogenic for Hereditary spastic paraplegia 56. Last evaluated: 2020-10-19. Review status: criteria provided, single submitter. Criteria: ACMG Guidelines, 2015. Collection method: clinical testing. Allele origin: germline. Inheritance: Autosomal recessive inheritance. Affected: yes.
Comment: Based on the classification scheme VCGS_Germline_v1.3.3, this variant is classified as likely pathogenic. Following criteria are met: 0102 - Loss of function is a known mechanism of disease in this gene and is associated with spastic paraplegia 56 (MIM#615030). (I) 0106 - This gene is associated with autosomal recessive disease. (I) 0200 - Variant is predicted to result in a missense amino acid change from arginine to tryptophan. (I) 0251 - This variant is heterozygous. (I) 0304 - Variant is present in gnomAD (v3) <0.01 for a recessive condition (5 heterozygotes, 0 homozygotes). (SP) 0309 - An alternative amino acid change at the same position has been observed in gnomAD (v2) (p.(Arg488Gly): 1 heterozygote, 0 homozygotes). (I) 0501 - Missense variant consistently predicted to be damaging by multiple in silico tools and highly conserved with a major amino acid change. (SP) 0601 - Variant is located in the well-established functional heme-binding domain, two residues from the axial cysteine ligand (PMIDs: 14660610, 29034544). (SP) 0705 - No comparable missense variants have previous evidence for pathogenicity. (I) 0803 - This variant has limited previous evidence of pathogenicity in unrelated individuals. This variant has been identified in two siblings with early-onset spastic paraplegia (PMID: 23176821). (SP) 0905 - No published segregation evidence has been identified for this variant. (I) 1002 - This variant has moderate functional evidence supporting abnormal protein function. Mutant expression vector transfected into HEK293T cells demonstrated reduced protein expression and total loss of arachidonic acid hydroxylation activity compared to the wild type expression construct (PMID: 29034544). (I) Legend: (SP) - Supporting pathogenic, (I) - Information, (SB) - Supporting benign

Genome Diagnostics Laboratory, The Hospital for Sick Children
Classification: Likely pathogenic for Hereditary spastic paraplegia. Last evaluated: 2018-09-01. Review status: criteria provided, single submitter. Criteria: ACMG Guidelines, 2015. Collection method: clinical testing. Allele origin: germline. Affected: yes.

Paris Brain Institute, Inserm - ICM
Classification: Pathogenic for Hereditary spastic paraplegia 56. Review status: criteria provided, single submitter. Criteria: ACMG Guidelines, 2015. Collection method: clinical testing. Allele origin: unknown. Affected: yes. Observed: 1 variant allele.

OMIM
Classification: Pathogenic for SPASTIC PARAPLEGIA 56, AUTOSOMAL RECESSIVE, WITH OR WITHOUT PSEUDOXANTHOMA ELASTICUM. Last evaluated: 2012-12-07. Review status: no assertion criteria provided. Collection method: literature only. Allele origin: germline. Not counted in ClinVar's aggregate classification.

Literature cited by the submitters: PubMed 23176821 (cited by 5 submitters); PubMed 33107650 (cited by 3 submitters); PubMed 29034544 (cited by 3 submitters); PubMed 14660610 (cited by Victorian Clinical Genetics Services, Murdoch Childrens Research Institute).